The following is an entry in ClinVar:

ClinVar aggregate classification (germline): Uncertain significance (1 of 4 stars; one submission).

Submission:

ARUP Laboratories, Molecular Genetics and Genomics, ARUP Laboratories
Classification: Uncertain significance. Last evaluated: 2017-11-27. Review status: criteria provided, single submitter. Criteria: ARUP Molecular Germline Variant Investigation Process. Collection method: clinical testing. Allele origin: germline.
Comment: The p.Asp304del variant creates an in-frame deletion of aspartic acid 304. This variant has not been reported in the medical literature, gene specific variation databases, nor has it been previously identified by our laboratory. It is absent from general population databases such as 1000 Genomes, NHLBI GO Exome Sequencing Project (ESP), and the Genome Aggregation Database (gnomAD). Altogether, there is not enough evidence to classify the p.Asp304del variant with certainty.

NM_020631.6(PLEKHG5):c.912_914del (p.Asp304del)

Gene: PLEKHG5 (pleckstrin homology and RhoGEF domain containing G5; minus strand). Cytogenetic location: 1p36.31.
Variant type: Deletion.
Coding change: c.912_914del on transcript NM_020631.6 (MANE Select); coding-DNA positions 912 to 914, 3 bases deleted (TGA; older notation c.912_914delTGA).
Protein change: p.Asp304del; deletes aspartic acid 304.
Molecular consequence: inframe deletion. On other transcripts: inframe indel (4).
Genome position (GRCh38, 1-based): chr1:6,473,056-6,473,058, TCA deleted on the plus strand (TGA on the coding strand, the reverse complement: PLEKHG5 is on the minus strand); deleting any 3 consecutive bases within chr1:6,473,056-6,473,060 gives the same sequence; the c. name uses the placement nearest the transcript's 3' end. VCF-style (leftmost placement, unchanged base first): chr1-6473055-TTCA-T. GRCh37 (hg19) VCF-style: chr1-6533115-TTCA-T.
Other names: c.1023_1025del, p.Asp341del (NM_001042663.3, NM_001265592.2); c.910_912delGAT, p.Asp304del (NM_001042664.2, NM_001042665.2, NM_001265594.3); c.1117_1119delGAT, p.Asp373del (NM_001265593.2); c.912_914del, p.Asp304del (NM_198681.4); short protein forms D304del, D373del, D341del.
Identifiers: ClinVar variation 618329 (VCV000618329.8), dbSNP rs1557744230, ClinGen allele CA913189289.